The following is an entry in ClinVar:

ClinVar aggregate classification (germline): Uncertain significance. Review status: criteria provided, multiple submitters, no conflicts (2 of 4 stars). 5 submissions from 5 submitters: Uncertain significance (5). Last evaluated 2024-10-25.

Conditions:
Familial thoracic aortic aneurysm and aortic dissection (TAAD). Also called: Thoracic aortic aneurysms and dissections. Identifiers: Orphanet 91387, MedGen C4707243, MONDO:0019625.
Aortic aneurysm, familial thoracic 6 (AAT6). Also called: FAMILIAL THORACIC AORTIC ANEURYSM WITH LIVEDO RETICULARIS AND IRIS FLOCCULI. Identifiers: MedGen C2673186, MONDO:0012730, OMIM 611788.

gnomAD v4.1: 3 of 1,613,888 alleles (0.00019%); highest among the groups gnomAD compares: Non-Finnish European, 0.00017%; no homozygotes.

Submissions (5):

Ambry Genetics
Classification: Uncertain significance for Familial thoracic aortic aneurysm and aortic dissection. Last evaluated: 2024-10-25. Review status: criteria provided, single submitter. Criteria: Ambry Variant Classification Scheme 2023. Collection method: clinical testing. Allele origin: germline.
Comment: The p.R208C variant (also known as c.622C>T), located in coding exon 6 of the ACTA2 gene, results from a C to T substitution at nucleotide position 622. The arginine at codon 208 is replaced by cysteine, an amino acid with highly dissimilar properties. This amino acid position is highly conserved in available vertebrate species. In addition, this alteration is predicted to be deleterious by in silico analysis. Based on the available evidence, the clinical significance of this variant remains unclear.

Genomic Medicine Center of Excellence, King Faisal Specialist Hospital and Research Centre
Classification: Uncertain significance for Aortic aneurysm, familial thoracic 6. Last evaluated: 2024-03-25. Review status: criteria provided, single submitter. Criteria: ACMG Guidelines, 2015. Collection method: clinical testing. Allele origin: germline.

Labcorp Genetics (formerly Invitae), Labcorp
Classification: Uncertain significance for Aortic aneurysm, familial thoracic 6. Last evaluated: 2022-02-24. Review status: criteria provided, single submitter. Criteria: Invitae Variant Classification Sherloc (09022015). Collection method: clinical testing. Allele origin: germline.
Comment: In summary, the available evidence is currently insufficient to determine the role of this variant in disease. Therefore, it has been classified as a Variant of Uncertain Significance. Advanced modeling of protein sequence and biophysical properties (such as structural, functional, and spatial information, amino acid conservation, physicochemical variation, residue mobility, and thermodynamic stability) performed at Invitae indicates that this missense variant is expected to disrupt ACTA2 protein function. ClinVar contains an entry for this variant (Variation ID: 389146). This variant has not been reported in the literature in individuals affected with ACTA2-related conditions. This variant is present in population databases (no rsID available, gnomAD 0.01%). This sequence change replaces arginine, which is basic and polar, with cysteine, which is neutral and slightly polar, at codon 208 of the ACTA2 protein (p.Arg208Cys).

GeneDx
Classification: Uncertain significance. Last evaluated: 2018-11-06. Review status: criteria provided, single submitter. Criteria: GeneDx Variant Classification (06012015). Collection method: clinical testing. Allele origin: germline. Affected: yes.
Comment: A variant of uncertain significance has been identified in the ACTA2 gene. The R208C variant has not been published as pathogenic or been reported as benign to our knowledge. The R208C variant is a non-conservative amino acid substitution, which is likely to impact secondary protein structure as these residues differ in polarity, charge, size and/or other properties. Additionally, this substitution occurs at a position that is conserved across species and in silico analysis predicts this variant is probably damaging to the protein structure/function. Furthermore, the R208C variant is not observed in large population cohorts (Lek et al., 2016; 1000 Genomes Consortium et al., 2015; Exome Variant Server). Nevertheless, this variant has not been observed in a significant number of affected individuals and it lacks segregation and functional studies which would further clarify its pathogenicity.

CHEO Genetics Diagnostic Laboratory, Children's Hospital of Eastern Ontario
Classification: Uncertain significance for Familial thoracic aortic aneurysm and aortic dissection. Last evaluated: 2017-09-19. Review status: criteria provided, single submitter. Criteria: ACMG Guidelines, 2015. Collection method: clinical testing. Allele origin: germline. Study: Canadian Open Genetics Repository.

NM_001613.4(ACTA2):c.622C>T (p.Arg208Cys)

Genes: ACTA2 (actin alpha 2, smooth muscle; minus strand), ACTA2-AS1 (ACTA2 antisense RNA 1; plus strand). Cytogenetic location: 10q23.31.
Variant type: single nucleotide variant.
Coding change: c.622C>T on transcript NM_001613.4 (MANE Select); coding-DNA position 622, C replaced by T.
Protein change: p.Arg208Cys; replaces arginine 208 with cysteine.
Molecular consequence: missense variant. On other transcripts: non-coding transcript variant (1).
Genome position (GRCh38, 1-based): chr10:88,939,693, G>A on the plus strand (C>T on the coding strand, the complement: ACTA2 is on the minus strand). VCF-style: chr10-88939693-G-A. GRCh37 (hg19) VCF-style: chr10-90699450-G-A.
Other names: c.622C>T, p.Arg208Cys (NM_001141945.3, NM_001320855.2, NM_001406462.1 and 2 more transcripts); c.511C>T, p.Arg171Cys (NM_001406466.1); c.493C>T, p.Arg165Cys (NM_001406467.1, NM_001406468.1, NM_001406469.1); short protein forms R208C, R165C, R171C.
Identifiers: ClinVar variation 389146 (VCV000389146.13), dbSNP rs1057523339, ClinGen allele CA16606746.